The following is an entry in ClinVar:

NM_031924.8(RSPH3):c.812T>C (p.Phe271Ser)

Gene: RSPH3 (radial spoke head 3; minus strand). Cytogenetic location: 6q25.3.
Variant type: single nucleotide variant.
Coding change: c.812T>C on transcript NM_031924.8 (MANE Select); coding-DNA position 812, T replaced by C.
Protein change: p.Phe271Ser; replaces phenylalanine 271 with serine.
Molecular consequence: missense variant. On other transcripts: non-coding transcript variant (1).
Genome position (GRCh38, 1-based): chr6:158,980,821, A>G on the plus strand (T>C on the coding strand, the complement: RSPH3 is on the minus strand). VCF-style: chr6-158980821-A-G. GRCh37 (hg19) VCF-style: chr6-159401853-A-G.
Other names: c.950T>C, p.Phe317Ser (NM_001346418.1); short protein forms F271S, F317S.
Identifiers: ClinVar variation 2830017 (VCV002830017.3), dbSNP rs141178332, ClinGen allele CA4075803.

ClinVar aggregate classification (germline): Uncertain significance (1 of 4 stars; one submission).

Conditions:
Primary ciliary dyskinesia 32. Also called: CILIARY DYSKINESIA, PRIMARY, 32, WITHOUT SITUS INVERSUS. Identifiers: Orphanet 244, MedGen C4225311, MONDO:0014657, OMIM 616481.

Allele frequency attached by ClinVar (database versions not stated): ExAC 0.00001; gnomAD 0.00001; TOPMed 0.00001; ESP Exome Variant Server 0.00008.
gnomAD v4.1: 1 of 1,614,058 alleles (0.000062%); highest among the groups gnomAD compares: African/African-American, 0.0013%; no homozygotes.

Submission:

Labcorp Genetics (formerly Invitae), Labcorp
Classification: Uncertain significance for Primary ciliary dyskinesia 32. Last evaluated: 2023-01-19. Review status: criteria provided, single submitter. Criteria: Invitae Variant Classification Sherloc (09022015). Collection method: clinical testing. Allele origin: germline.
Comment: This sequence change replaces phenylalanine, which is neutral and non-polar, with serine, which is neutral and polar, at codon 413 of the RSPH3 protein (p.Phe413Ser). This variant is not present in population databases (gnomAD no frequency). In summary, the available evidence is currently insufficient to determine the role of this variant in disease. Therefore, it has been classified as a Variant of Uncertain Significance. Algorithms developed to predict the effect of missense changes on protein structure and function (SIFT, PolyPhen-2, Align-GVGD) all suggest that this variant is likely to be disruptive. This variant has not been reported in the literature in individuals affected with RSPH3-related conditions.